The following is an entry in ClinVar:

NM_178864.4(NPAS4):c.944+5G>T

Gene: NPAS4 (neuronal PAS domain protein 4; plus strand). Cytogenetic location: 11q13.2.
Variant type: single nucleotide variant.
Coding change: c.944+5G>T on transcript NM_178864.4 (MANE Select); 5 bases into the intron after coding-DNA position 944, G replaced by T.
Molecular consequence: intron variant.
Genome position (GRCh38, 1-based): chr11:66,423,718, G>T. VCF-style: chr11-66423718-G-T. GRCh37 (hg19) VCF-style: chr11-66191189-G-T.
Other names: c.314+5G>T (NM_001318804.1).
Identifiers: ClinVar variation 3726578 (VCV003726578.2).

ClinVar aggregate classification (germline): Uncertain significance (1 of 4 stars; one submission).

Submission:

Labcorp Genetics (formerly Invitae), Labcorp
Classification: Uncertain significance. Last evaluated: 2024-12-05. Review status: criteria provided, single submitter. Criteria: Invitae Variant Classification Sherloc (09022015). Collection method: clinical testing. Allele origin: germline.
Comment: This sequence change falls in intron 6 of the NPAS4 gene. It does not directly change the encoded amino acid sequence of the NPAS4 protein. It affects a nucleotide within the consensus splice site. This variant is not present in population databases (gnomAD no frequency). This variant has not been reported in the literature in individuals affected with NPAS4-related conditions. Variants that disrupt the consensus splice site are a relatively common cause of aberrant splicing (PMID: 17576681, 9536098). Algorithms developed to predict the effect of sequence changes on RNA splicing suggest that this variant is not likely to affect RNA splicing. In summary, the available evidence is currently insufficient to determine the role of this variant in disease. Therefore, it has been classified as a Variant of Uncertain Significance.

Literature cited by the submitters: PubMed 17576681; PubMed 9536098.